The following is an entry in ClinVar:

NM_032578.4(MYPN):c.809G>T (p.Arg270Leu)

Gene: MYPN (myopalladin; plus strand). Cytogenetic location: 10q21.3.
Variant type: single nucleotide variant.
Coding change: c.809G>T on transcript NM_032578.4 (MANE Select); coding-DNA position 809, G replaced by T.
Protein change: p.Arg270Leu; replaces arginine 270 with leucine.
Molecular consequence: missense variant. On other transcripts: 5 prime UTR variant (1), non-coding transcript variant (1).
Genome position (GRCh38, 1-based): chr10:68,122,247, G>T. VCF-style: chr10-68122247-G-T. GRCh37 (hg19) VCF-style: chr10-69882004-G-T.
Other names: c.809G>T, p.Arg270Leu (NM_001256267.2); c.-314G>T (NM_001256268.2); short protein forms R270L.
Identifiers: ClinVar variation 953997 (VCV000953997.11), dbSNP rs1187626834, ClinGen allele CA377105151.

ClinVar aggregate classification (germline): Uncertain significance. Review status: criteria provided, multiple submitters, no conflicts (2 of 4 stars). 2 submissions from 2 submitters: Uncertain significance (2). Last evaluated 2022-09-21.

Conditions:
Cardiovascular phenotype. Identifiers: MedGen CN230736.
Dilated cardiomyopathy 1KK (CMD1KK). Identifiers: Orphanet 154, Orphanet 75249, MedGen C3714995, MONDO:0014100, OMIM 615248.

Allele frequency attached by ClinVar (database versions not stated): gnomAD 0.00001; gnomAD exomes 0.00001.
gnomAD v4.1: 42 of 1,613,336 alleles (0.0026%); highest among the groups gnomAD compares: Non-Finnish European, 0.0032%; no homozygotes.

Submissions (2):

Ambry Genetics
Classification: Uncertain significance for Cardiovascular phenotype. Last evaluated: 2022-09-21. Review status: criteria provided, single submitter. Criteria: Ambry Variant Classification Scheme 2023. Collection method: clinical testing. Allele origin: germline.
Comment: The p.R270L variant (also known as c.809G>T), located in coding exon 1 of the MYPN gene, results from a G to T substitution at nucleotide position 809. The arginine at codon 270 is replaced by leucine, an amino acid with dissimilar properties. This amino acid position is conserved. In addition, this alteration is predicted to be tolerated by in silico analysis. Since supporting evidence is limited at this time, the clinical significance of this alteration remains unclear.

Labcorp Genetics (formerly Invitae), Labcorp
Classification: Uncertain significance for Dilated cardiomyopathy 1KK. Last evaluated: 2019-08-27. Review status: criteria provided, single submitter. Criteria: Invitae Variant Classification Sherloc (09022015). Collection method: clinical testing. Allele origin: germline.
Comment: In summary, the available evidence is currently insufficient to determine the role of this variant in disease. Therefore, it has been classified as a Variant of Uncertain Significance. Algorithms developed to predict the effect of missense changes on protein structure and function are either unavailable or do not agree on the potential impact of this missense change (SIFT: "Tolerated"; PolyPhen-2: "Possibly Damaging"; Align-GVGD: "Class C15"). This variant has not been reported in the literature in individuals with MYPN-related conditions. This variant is not present in population databases (ExAC no frequency). This sequence change replaces arginine with leucine at codon 270 of the MYPN protein (p.Arg270Leu). The arginine residue is moderately conserved and there is a moderate physicochemical difference between arginine and leucine.